The following is an entry in ClinVar:

NM_203395.3(IYD):c.93G>A (p.Lys31=)

Gene: IYD (iodotyrosine deiodinase; plus strand). Cytogenetic location: 6q25.1.
Variant type: single nucleotide variant.
Coding change: c.93G>A on transcript NM_203395.3 (MANE Select); coding-DNA position 93, G replaced by A.
Protein change: p.Lys31=; no amino-acid change (lysine 31 retained).
Molecular consequence: synonymous variant. On other transcripts: 5 prime UTR variant (1), non-coding transcript variant (1).
Genome position (GRCh38, 1-based): chr6:150,369,124, G>A. VCF-style: chr6-150369124-G-A. GRCh37 (hg19) VCF-style: chr6-150690260-G-A.
Other names: c.93G>A, p.Lys31= (NM_001164694.2, NM_001164695.2); c.-86G>A (NM_001318495.2).
Identifiers: ClinVar variation 4533460 (VCV004533460.6).

ClinVar aggregate classification (germline): Likely benign (1 of 4 stars; one submission).

gnomAD v4.1: 1 of 1,613,958 alleles (0.000062%); no homozygotes.

Submission:

CeGaT Center for Human Genetics Tuebingen
Classification: Likely benign. Last evaluated: 2025-10-01. Review status: criteria provided, single submitter. Criteria: CeGaT Center For Human Genetics Tuebingen Variant Classification Criteria Version 2. Collection method: clinical testing. Allele origin: germline. Affected: yes. Observed: 1 variant allele.
Comment: IYD: BP4, BP7